The following is an entry in ClinVar:

NM_000257.4(MYH7):c.2922+62C>T

Gene: MYH7 (myosin heavy chain 7; minus strand). Cytogenetic location: 14q11.2.
Variant type: single nucleotide variant.
Coding change: c.2922+62C>T on transcript NM_000257.4 (MANE Select); 62 bases into the intron after coding-DNA position 2922, C replaced by T.
Molecular consequence: intron variant.
Genome position (GRCh38, 1-based): chr14:23,423,845, G>A on the plus strand (C>T on the coding strand, the complement: MYH7 is on the minus strand). VCF-style: chr14-23423845-G-A. GRCh37 (hg19) VCF-style: chr14-23893054-G-A.
Identifiers: ClinVar variation 675324 (VCV000675324.1), dbSNP rs545354807, ClinGen allele CA257818831.
Genomic context (GRCh38, chr14:23,423,845, plus strand): 5'-GGGAGCTCCATGTCAAGGTCCATGCTGCTCTCTGGATGCCGAGTGGCTAGCCTGGGTCAA[G>A]GTCAGTATGGTCTGAGAGTCCTGATGAGACCCGGGCTGGAGCCAAAGGGAGCTGCCCTTA-3'

ClinVar aggregate classification (germline): Likely benign (1 of 4 stars; one submission).

Allele frequency attached by ClinVar (database versions not stated): 1000 Genomes Project 0.00439; gnomAD 0.00472 and 0.00506; 1000 Genomes Project 30x 0.00484; TOPMed 0.00536.
gnomAD v4.1: 1,603 of 1,613,598 alleles (0.099%); highest among the groups gnomAD compares: African/African-American, 1.6%; 12 homozygotes.

Submission:

GeneDx
Classification: Likely benign. Last evaluated: 2018-06-19. Review status: criteria provided, single submitter. Criteria: GeneDx Variant Classification (06012015). Collection method: clinical testing. Allele origin: germline. Affected: yes.
Comment: This variant is considered likely benign or benign based on one or more of the following criteria: it is a conservative change, it occurs at a poorly conserved position in the protein, it is predicted to be benign by multiple in silico algorithms, and/or has population frequency not consistent with disease.